The following is an entry in ClinVar:

NM_021913.5(AXL):c.783+17T>C

Gene: AXL (AXL receptor tyrosine kinase; plus strand). Cytogenetic location: 19q13.2.
Variant type: single nucleotide variant.
Coding change: c.783+17T>C on transcript NM_021913.5 (MANE Select); 17 bases into the intron after coding-DNA position 783, T replaced by C.
Molecular consequence: intron variant.
Genome position (GRCh38, 1-based): chr19:41,231,315, T>C. VCF-style: chr19-41231315-T-C. GRCh37 (hg19) VCF-style: chr19-41737220-T-C.
Other names: c.783+17T>C (NM_001699.6); c.-22+17T>C (NM_001278599.2).
Identifiers: ClinVar variation 1598744 (VCV001598744.9), dbSNP rs200206204, ClinGen allele CA9458058.
Genomic context (GRCh38, chr19:41,231,315, plus strand): 5'-CAGGCCTGAGCGGCATCTACCCCCTGACCCACTGCACCCTGCAGGTGAGACTCCCAAACT[T>C]GGTTCATTTCAGTCTCAGGCCTCCTTCCACCCACATCCACAACCCCCATCCTCTCCCTGG-3'

ClinVar aggregate classification (germline): Benign. Review status: criteria provided, multiple submitters, no conflicts (2 of 4 stars). 2 submissions from 2 submitters: Benign (2). Last evaluated 2026-01-12.

Allele frequency attached by ClinVar (database versions not stated): 1000 Genomes Project 30x 0.00016; 1000 Genomes Project 0.00020; TOPMed 0.00076; ESP Exome Variant Server 0.00085; gnomAD exomes 0.00119 and 0.00145; gnomAD 0.00127 and 0.00133; ExAC 0.00139.
gnomAD v4.1: 1,901 of 1,603,480 alleles (0.12%); highest among the groups gnomAD compares: Non-Finnish European, 0.13%; 4 homozygotes.

Submissions (2):

Labcorp Genetics (formerly Invitae), Labcorp
Classification: Benign. Last evaluated: 2026-01-12. Review status: criteria provided, single submitter. Criteria: Invitae Variant Classification Sherloc (09022015). Collection method: clinical testing. Allele origin: germline.

Women's Health and Genetics/Laboratory Corporation of America, LabCorp
Classification: Benign. Last evaluated: 2024-07-09. Review status: criteria provided, single submitter. Criteria: LabCorp Variant Classification Summary - May 2015. Collection method: clinical testing. Allele origin: germline.
Comment: Variant summary: AXL c.783+17T>C alters a non-conserved nucleotide located at a position not widely known to affect splicing. Consensus agreement among computation tools predict no significant impact on normal splicing. However, these predictions have yet to be confirmed by functional studies. The variant allele was found at a frequency of 0.0012 in 1596562 control chromosomes in the gnomAD database (v4.1 dataset), including 4 homozygotes. To our knowledge, no occurrence of c.783+17T>C in individuals affected with Hypogonadotropic Hypogonadism 7 With Or Without Anosmia and no experimental evidence demonstrating its impact on protein function have been reported. ClinVar contains an entry for this variant (Variation ID: 1598744). Based on the evidence outlined above, the variant was classified as benign.